The following is an entry in ClinVar:

ClinVar aggregate classification (germline): Likely pathogenic. Review status: criteria provided, multiple submitters, no conflicts (2 of 4 stars). 2 submissions from 2 submitters: Likely pathogenic (2). Last evaluated 2025-12-16.

Conditions:
CFTR-related disorder (CFTR-RD). Also called: CFTR-related condition; CFTR-related disorders. Identifiers: MedGen C5924204, MONDO:7770004.
Cystic fibrosis (CF). Also called: MUCOVISCIDOSIS. Identifiers: Orphanet 586, MedGen C0010674, MONDO:0009061, OMIM 219700. Disease mechanism: loss of function.

Submissions (2):

Natera, Inc.
Classification: Likely pathogenic for CFTR-related disorders. Last evaluated: 2025-12-16. Review status: criteria provided, single submitter. Criteria: Natera Variant Classification Schema (03/2026). Collection method: clinical testing. Allele origin: germline.
Comment: The c.3547A>T variant in CFTR is a nonsense variant predicted to introduce a stop codon at amino acid 1183. This variant is expected to result in nonsense mediated decay, truncation, or a dysfunctional protein product. This variant is rare in the general population with a frequency below the threshold expected for the associated phenotype(s). Given the available evidence, this variant is classified as Likely Pathogenic.

Myriad Genetics, Inc.
Classification: Likely pathogenic for Cystic fibrosis. Last evaluated: 2022-03-15. Review status: criteria provided, single submitter. Criteria: Myriad Women's Health Autosomal Recessive and X-Linked Classification Criteria (2021). Collection method: clinical testing. Allele origin: unknown.
Comment: NM_000492.3(CFTR):c.3547A>T(K1183*) is expected to be pathogenic in the context of cystic fibrosis. This variant is predicted to lead to an abnormal or absent protein product due to the creation of a premature termination codon in CFTR, a gene where loss-of-function variants are known to be pathogenic. Please note: this variant was assessed in the context of healthy population screening.

NM_000492.4(CFTR):c.3547A>T (p.Lys1183Ter)

Genes: CFTR (CF transmembrane conductance regulator; plus strand), CFTR-AS2 (CFTR antisense RNA 2; minus strand). Cytogenetic location: 7q31.2.
Variant type: single nucleotide variant.
Coding change: c.3547A>T on transcript NM_000492.4 (MANE Select); coding-DNA position 3547, A replaced by T.
Protein change: p.Lys1183Ter; replaces lysine 1183 with a stop codon.
Molecular consequence: nonsense.
Genome position (GRCh38, 1-based): chr7:117,627,600, A>T. VCF-style: chr7-117627600-A-T. GRCh37 (hg19) VCF-style: chr7-117267654-A-T.
Other names: short protein forms K1183*.
Identifiers: ClinVar variation 1725242 (VCV001725242.3), dbSNP rs2485146248, ClinGen allele CA368996349.